The following is an entry in ClinVar:

ClinVar aggregate classification (germline): Likely benign. Review status: criteria provided, multiple submitters, no conflicts (2 of 4 stars). 6 submissions from 6 submitters: Likely benign (5). 1 of the submissions does not count toward it. Last evaluated 2026-01-21.

Conditions:
RBM20-related disorder. Also called: RBM20-related condition.
Cardiovascular phenotype. Identifiers: MedGen CN230736.
Dilated cardiomyopathy 1DD (CMD1DD). Identifiers: Orphanet 154, MedGen C2750995, MONDO:0013168, OMIM 613172.

Allele frequency attached by ClinVar (database versions not stated): gnomAD exomes 0.00005 and 0.00006; TOPMed 0.00005; ExAC 0.00010; gnomAD 0.00013; 1000 Genomes Project 30x 0.00016.
gnomAD v4.1: 77 of 1,548,124 alleles (0.005%); highest among the groups gnomAD compares: East Asian, 0.0098%; no homozygotes.

Submissions (6):

Labcorp Genetics (formerly Invitae), Labcorp
Classification: Likely benign for Dilated cardiomyopathy 1DD. Last evaluated: 2026-01-21. Review status: criteria provided, single submitter. Criteria: Invitae Variant Classification Sherloc (09022015). Collection method: clinical testing. Allele origin: germline.

Blueprint Genetics
Classification: Likely benign. Last evaluated: 2021-12-27. Review status: criteria provided, single submitter. Criteria: ACMG Guidelines, 2015. Collection method: clinical testing. Allele origin: germline.

Women's Health and Genetics/Laboratory Corporation of America, LabCorp
Classification: Likely benign. Last evaluated: 2020-08-30. Review status: criteria provided, single submitter. Criteria: LabCorp Variant Classification Summary - May 2015. Collection method: clinical testing. Allele origin: germline.

Ambry Genetics
Classification: Likely benign for Cardiovascular phenotype. Last evaluated: 2019-02-11. Review status: criteria provided, single submitter. Criteria: Ambry Variant Classification Scheme 2023. Collection method: clinical testing. Allele origin: germline.

GeneDx
Classification: Likely benign. Last evaluated: 2018-12-21. Review status: criteria provided, single submitter. Criteria: GeneDx Variant Classification Process June 2021. Collection method: clinical testing. Allele origin: germline. Affected: yes.

PreventionGenetics, part of Exact Sciences
Classification: Likely benign for RBM20-related condition. Last evaluated: 2020-01-23. Review status: no assertion criteria provided. Collection method: clinical testing. Allele origin: germline. Not counted in ClinVar's aggregate classification.
Comment: This variant is classified as likely benign based on ACMG/AMP sequence variant interpretation guidelines (Richards et al. 2015 PMID: 25741868, with internal and published modifications).

NM_001134363.3(RBM20):c.1050C>T (p.Tyr350=)

Gene: RBM20 (RNA binding motif protein 20; plus strand). Cytogenetic location: 10q25.2.
Variant type: single nucleotide variant.
Coding change: c.1050C>T on transcript NM_001134363.3 (MANE Select); coding-DNA position 1050, C replaced by T.
Protein change: p.Tyr350=; no amino-acid change (tyrosine 350 retained).
Molecular consequence: synonymous variant.
Genome position (GRCh38, 1-based): chr10:110,781,659, C>T. VCF-style: chr10-110781659-C-T. GRCh37 (hg19) VCF-style: chr10-112541417-C-T.
Identifiers: ClinVar variation 538049 (VCV000538049.21), dbSNP rs778124998, ClinGen allele CA5688548.